The following is an entry in ClinVar:

ClinVar aggregate classification (germline): Uncertain significance. Review status: criteria provided, multiple submitters, no conflicts (2 of 4 stars). 2 submissions from 2 submitters: Uncertain significance (2). Last evaluated 2026-02-24.

Conditions:
CREB3L3-related disorder. Also called: CREB3L3-related condition.

Allele frequency attached by ClinVar (database versions not stated): gnomAD 0.00001; gnomAD exomes 0.00001 and 0.00002; ExAC 0.00004.
gnomAD v4.1: 8 of 1,597,856 alleles (0.0005%); highest among the groups gnomAD compares: Admixed American, 0.014%; no homozygotes.

Submissions (2):

PreventionGenetics, part of Exact Sciences
Classification: Uncertain significance for CREB3L3-related condition. Last evaluated: 2026-02-24. Review status: criteria provided, single submitter. Criteria: ACMG Guidelines, 2015. Collection method: clinical testing. Allele origin: germline.
Comment: The CREB3L3 c.821+3G>C variant is predicted to interfere with splicing. This variant is predicted to impact splicing based on prediction algorithms, however such predictions are not equivalent to functional evidence (SpliceAI, Jaganathan et al. 2019. PubMed ID: 30661751). To our knowledge, this variant has not been reported in the literature. This variant is reported in 0.015% of alleles in individuals of Latino descent in gnomAD. At this time, the clinical significance of this variant is uncertain due to the absence of conclusive functional and genetic evidence.

Labcorp Genetics (formerly Invitae), Labcorp
Classification: Uncertain significance. Last evaluated: 2021-10-31. Review status: criteria provided, single submitter. Criteria: Invitae Variant Classification Sherloc (09022015). Collection method: clinical testing. Allele origin: germline.
Comment: In summary, the available evidence is currently insufficient to determine the role of this variant in disease. Therefore, it has been classified as a Variant of Uncertain Significance. Variants that disrupt the consensus splice site are a relatively common cause of aberrant splicing (PMID: 17576681, 9536098). Algorithms developed to predict the effect of sequence changes on RNA splicing suggest that this variant may disrupt the consensus splice site. This variant has not been reported in the literature in individuals affected with CREB3L3-related conditions. This variant is present in population databases (rs769704602, gnomAD 0.02%). This sequence change falls in intron 6 of the CREB3L3 gene. It does not directly change the encoded amino acid sequence of the CREB3L3 protein. It affects a nucleotide within the consensus splice site.

Literature cited by the submitters: PubMed 17576681 (cited by Labcorp Genetics (formerly Invitae), Labcorp); PubMed 9536098 (cited by Labcorp Genetics (formerly Invitae), Labcorp).

NM_032607.3(CREB3L3):c.821+3G>C

Gene: CREB3L3 (cAMP responsive element binding protein 3 like 3; plus strand). Cytogenetic location: 19p13.3.
Variant type: single nucleotide variant.
Coding change: c.821+3G>C on transcript NM_032607.3 (MANE Select); 3 bases into the intron after coding-DNA position 821, G replaced by C.
Molecular consequence: intron variant.
Genome position (GRCh38, 1-based): chr19:4,168,460, G>C. VCF-style: chr19-4168460-G-C. GRCh37 (hg19) VCF-style: chr19-4168457-G-C.
Other names: c.715-1680G>C (NM_001271997.2); c.815+3G>C (NM_001271996.2); c.818+3G>C (NM_001271995.2); c.821+3G>C (NM_032607.2).
Identifiers: ClinVar variation 1440308 (VCV001440308.7), dbSNP rs769704602, ClinGen allele CA9091473.
Genomic context (GRCh38, chr19:4,168,460, plus strand): 5'-AGTCGGCGCAAGAAAGCAGGAAGAAGAAGAAGGAATATATCGATGGCCTGGAGACTCGGT[G>C]GGTAGTGCTGGACCCAGACTCTACACTCGTGGAGGAAACTGAGGCCCAGAGAGAAGGAGA-3'